The following is an entry in ClinVar:

ClinVar aggregate classification (germline): Uncertain significance (1 of 4 stars; one submission).

Allele frequency attached by ClinVar (database versions not stated): gnomAD exomes 0.00002 and 0.00004; ExAC 0.00003; gnomAD 0.00003 and 0.00004; TOPMed 0.00003.
gnomAD v4.1: 38 of 1,611,554 alleles (0.0024%); highest among the groups gnomAD compares: South Asian, 0.0099%; no homozygotes.

Submission:

Labcorp Genetics (formerly Invitae), Labcorp
Classification: Uncertain significance. Last evaluated: 2025-12-16. Review status: criteria provided, single submitter. Criteria: Invitae Variant Classification Sherloc (09022015). Collection method: clinical testing. Allele origin: germline.
Comment: This sequence change replaces glutamic acid, which is acidic and polar, with lysine, which is basic and polar, at codon 382 of the PACS2 protein (p.Glu382Lys). This variant is present in population databases (rs782094748, gnomAD 0.08%). This variant has not been reported in the literature in individuals affected with PACS2-related conditions. ClinVar contains an entry for this variant (Variation ID: 1482475). An algorithm developed to predict the effect of missense changes on protein structure and function (PolyPhen-2) suggests that this variant is likely to be tolerated. In summary, the available evidence is currently insufficient to determine the role of this variant in disease. Therefore, it has been classified as a Variant of Uncertain Significance.

NM_001100913.3(PACS2):c.1144G>A (p.Glu382Lys)

Gene: PACS2 (phosphofurin acidic cluster sorting protein 2; plus strand). Cytogenetic location: 14q32.33.
Variant type: single nucleotide variant.
Coding change: c.1144G>A on transcript NM_001100913.3 (MANE Select); coding-DNA position 1144, G replaced by A.
Protein change: p.Glu382Lys; replaces glutamic acid 382 with lysine.
Molecular consequence: missense variant.
Genome position (GRCh38, 1-based): chr14:105,380,975, G>A. VCF-style: chr14-105380975-G-A. GRCh37 (hg19) VCF-style: chr14-105847312-G-A.
Other names: c.919G>A, p.Glu307Lys (NM_001243127.3); c.1144G>A, p.Glu382Lys (NM_015197.4); short protein forms E307K, E382K.
Identifiers: ClinVar variation 1482475 (VCV001482475.8), dbSNP rs782094748, ClinGen allele CA7388736.